The following is an entry in ClinVar:

NM_000256.3(MYBPC3):c.3549dup (p.Thr1184fs)

Gene: MYBPC3 (myosin binding protein C3; minus strand). Cytogenetic location: 11p11.2.
Variant type: Duplication.
Coding change: c.3549dup on transcript NM_000256.3 (MANE Select); coding-DNA position 3549, one base duplicated (C; older notation c.3549dupC).
Protein change: p.Thr1184fs; shifts the reading frame from threonine 1184.
Molecular consequence: frameshift variant.
Genome position (GRCh38, 1-based): chr11:47,332,644, G duplicated on the plus strand (C on the coding strand, the reverse complement: MYBPC3 is on the minus strand). VCF-style (leftmost placement, unchanged base first): chr11-47332643-T-TG. GRCh37 (hg19) VCF-style: chr11-47354194-T-TG.
Other names: short protein forms T1184fs.
Identifiers: ClinVar variation 619259 (VCV000619259.3), dbSNP rs1565622703, ClinGen allele CA913188356.
Genomic context (GRCh38, chr11:47,332,643, plus strand): 5'-CAGCACAGCAGAGCATAGCAGTGTAGCCCGCGATGACCGAGCGGTTCACCAGGGGCTGGG[T>TG]GAAGCTTGGGGCCTCGGAGAAGTCCAGGGCCTTATAGTTGGGTGGCTCATAGGTGATGCC-3'

ClinVar aggregate classification (germline): Pathogenic/Likely pathogenic. Review status: criteria provided, multiple submitters, no conflicts (2 of 4 stars). 2 submissions from 2 submitters: Pathogenic (1); Likely pathogenic (1). Last evaluated 2018-10-31.

Conditions:
Hypertrophic cardiomyopathy. Also called: HYPERTROPHIC MYOCARDIOPATHY. Identifiers: Orphanet 217569, MedGen C0007194, MeSH D002312, MONDO:0005045, HP:0001639.

Submissions (2):

Center for Human Genetics, University of Leuven
Classification: Likely pathogenic for Hypertrophic cardiomyopathy. Last evaluated: 2018-10-31. Review status: criteria provided, single submitter. Criteria: ACMG Guidelines, 2015. Collection method: clinical testing. Allele origin: germline. Affected: yes.

Laboratory for Molecular Medicine, Mass General Brigham Personalized Medicine
Classification: Pathogenic for Hypertrophic cardiomyopathy. Last evaluated: 2017-09-07. Review status: criteria provided, single submitter. Criteria: ACMG Guidelines, 2015. Collection method: clinical testing. Allele origin: germline. Inheritance: Autosomal dominant inheritance.
Comment: The p.Thr1184fs variant in MYBPC3 has not been previously reported in individuals with cardiomyopathy and was absent from large population studies. This variant is predicted to cause a frameshift, which alters the protein’s amino acid sequence beginning at position 1184 and leads to a premature termination codon 24 amino acids downstream. This alteration is predicted to lead to a truncated or absent protein. Nonsense and other MYBPC3 variants resulting in a heterozygous loss of function are strongly associated with HCM. In summary, this variant meets criteria to be classified as pathogenic for HCM in an autosomal dominant manner based upon the predicted impact on the protein and absence from control databases.